The following is an entry in ClinVar:

NM_032608.7(MYO18B):c.1297G>T (p.Gly433Trp)

Gene: MYO18B (myosin XVIIIB; plus strand). Cytogenetic location: 22q12.1.
Variant type: single nucleotide variant.
Coding change: c.1297G>T on transcript NM_032608.7 (MANE Select); coding-DNA position 1297, G replaced by T.
Protein change: p.Gly433Trp; replaces glycine 433 with tryptophan.
Molecular consequence: missense variant.
Genome position (GRCh38, 1-based): chr22:25,769,213, G>T. VCF-style: chr22-25769213-G-T. GRCh37 (hg19) VCF-style: chr22-26165180-G-T.
Other names: c.1297G>T, p.Gly433Trp (NM_001318245.2); short protein forms G433W.
Identifiers: ClinVar variation 3717776 (VCV003717776.2).

ClinVar aggregate classification (germline): Uncertain significance (1 of 4 stars; one submission).

Submission:

Labcorp Genetics (formerly Invitae), Labcorp
Classification: Uncertain significance. Last evaluated: 2024-09-23. Review status: criteria provided, single submitter. Criteria: Invitae Variant Classification Sherloc (09022015). Collection method: clinical testing. Allele origin: germline.
Comment: This sequence change replaces glycine, which is neutral and non-polar, with tryptophan, which is neutral and slightly polar, at codon 433 of the MYO18B protein (p.Gly433Trp). This variant is not present in population databases (gnomAD no frequency). This variant has not been reported in the literature in individuals affected with MYO18B-related conditions. An algorithm developed to predict the effect of missense changes on protein structure and function (PolyPhen-2) suggests that this variant is likely to be disruptive. In summary, the available evidence is currently insufficient to determine the role of this variant in disease. Therefore, it has been classified as a Variant of Uncertain Significance.